The following is an entry in ClinVar:

ClinVar aggregate classification (germline): Uncertain significance (1 of 4 stars; one submission).

Conditions:
Hereditary cancer-predisposing syndrome. Also called: Neoplastic Syndromes, Hereditary; Tumor predisposition; Hereditary Cancer Syndrome; Hereditary neoplastic syndrome. Identifiers: Orphanet 140162, MedGen C0027672, MeSH D009386, MONDO:0015356.

Submission:

Ambry Genetics
Classification: Uncertain significance for Hereditary cancer-predisposing syndrome. Last evaluated: 2026-02-14. Review status: criteria provided, single submitter. Criteria: Ambry Variant Classification Scheme 2023. Collection method: clinical testing. Allele origin: germline.
Comment: The p.T596A variant (also known as c.1786A>G), located in coding exon 10 of the SMARCA4 gene, results from an A to G substitution at nucleotide position 1786. The threonine at codon 596 is replaced by alanine, an amino acid with similar properties. This amino acid position is conserved. In addition, this alteration is predicted to be tolerated by in silico analysis. Based on the available evidence, the clinical significance of this variant remains unclear.

NM_003072.5(SMARCA4):c.1786A>G (p.Thr596Ala)

Gene: SMARCA4 (SWI/SNF related BAF chromatin remodeling complex subunit ATPase 4; plus strand). Cytogenetic location: 19p13.2.
Variant type: single nucleotide variant.
Coding change: c.1786A>G on transcript NM_003072.5 (MANE Select); coding-DNA position 1786, A replaced by G.
Protein change: p.Thr596Ala; replaces threonine 596 with alanine.
Molecular consequence: missense variant. On other transcripts: non-coding transcript variant (1).
Genome position (GRCh38, 1-based): chr19:10,996,518, A>G. VCF-style: chr19-10996518-A-G. GRCh37 (hg19) VCF-style: chr19-11107194-A-G.
Other names: c.1786A>G, p.Thr596Ala (NM_001128844.3, NM_001128845.2, NM_001128846.2 and 6 more transcripts); short protein forms T596A.
Identifiers: ClinVar variation 4825122 (VCV004825122.1).